The following is an entry in ClinVar:

ClinVar aggregate classification (germline): Uncertain significance (1 of 4 stars; one submission).

Allele frequency attached by ClinVar (database versions not stated): ExAC 0.00001; gnomAD exomes 0.00001.
gnomAD v4.1: 3 of 1,613,926 alleles (0.00019%); highest among the groups gnomAD compares: Admixed American, 0.005%; no homozygotes.

Submission:

GeneDx
Classification: Uncertain significance. Last evaluated: 2023-06-29. Review status: criteria provided, single submitter. Criteria: GeneDx Variant Classification Process June 2021. Collection method: clinical testing. Allele origin: germline. Affected: yes.
Comment: In silico analysis supports that this missense variant does not alter protein structure/function; Has not been previously published as pathogenic or benign to our knowledge

NM_001384125.1(BLTP1):c.14159T>C (p.Val4720Ala)

Gene: BLTP1 (bridge-like lipid transfer protein family member 1; plus strand). Cytogenetic location: 4q27.
Variant type: single nucleotide variant.
Coding change: c.14159T>C on transcript NM_001384125.1 (MANE Select); coding-DNA position 14159, T replaced by C.
Protein change: p.Val4720Ala; replaces valine 4720 with alanine.
Molecular consequence: missense variant.
Genome position (GRCh38, 1-based): chr4:122,352,949, T>C. VCF-style: chr4-122352949-T-C. GRCh37 (hg19) VCF-style: chr4-123274104-T-C.
Other names: c.13895T>C, p.Val4632Ala (NM_015312.4); short protein forms V4632A, V4720A.
Identifiers: ClinVar variation 2507177 (VCV002507177.1), dbSNP rs750085209, ClinGen allele CA3068305.
Genomic context (GRCh38, chr4:122,352,949, plus strand): 5'-TTGGTTTTCTTGCAGTACTTGATGCAGCACATCATCGACACTGGCCTGGAGTATTGAAGG[T>C]GGTATCAGGATGCCACATATCCTTATTTCAGATTCCATTACCAGAAGATGGAATGCAATT-3'
Protein context (NP_001371054.1, residues 4710-4730): HHRHWPGVLK[Val4720Ala]VSGCHISLFQ